The following is an entry in ClinVar:

ClinVar aggregate classification (germline): Uncertain significance (1 of 4 stars; one submission).

Submission:

Ambry Genetics
Classification: Uncertain significance. Last evaluated: 2025-01-20. Review status: criteria provided, single submitter. Criteria: Ambry Variant Classification Scheme 2023. Collection method: clinical testing. Allele origin: germline.
Comment: The p.P2101L variant (also known as c.6302C>T), located in coding exon 27 of the WNK2 gene, results from a C to T substitution at nucleotide position 6302. The proline at codon 2101 is replaced by leucine, an amino acid with similar properties. This amino acid position is conserved. In addition, this alteration is predicted to be tolerated by in silico analysis. Based on the available evidence, the clinical significance of this variant remains unclear.

NM_006648.4(WNK2):c.6302C>T (p.Pro2101Leu)

Gene: WNK2 (WNK lysine deficient protein kinase 2; plus strand). Cytogenetic location: 9q22.31.
Variant type: single nucleotide variant.
Coding change: c.6302C>T on transcript NM_006648.4 (MANE Select); coding-DNA position 6302, C replaced by T.
Protein change: p.Pro2101Leu; replaces proline 2101 with leucine.
Molecular consequence: missense variant.
Genome position (GRCh38, 1-based): chr9:93,308,370, C>T. VCF-style: chr9-93308370-C-T. GRCh37 (hg19) VCF-style: chr9-96070652-C-T.
Other names: c.6413C>T, p.Pro2138Leu (NM_001282394.3); short protein forms P2101L, P2138L.
Identifiers: ClinVar variation 3816890 (VCV003816890.1).